The following is an entry in ClinVar:

NM_000041.4(APOE):c.661C>G (p.Leu221Val)

Gene: APOE (apolipoprotein E; plus strand). Cytogenetic location: 19q13.32.
Variant type: single nucleotide variant.
Coding change: c.661C>G on transcript NM_000041.4 (MANE Select); coding-DNA position 661, C replaced by G.
Protein change: p.Leu221Val; replaces leucine 221 with valine.
Molecular consequence: missense variant.
Genome position (GRCh38, 1-based): chr19:44,908,957, C>G. VCF-style: chr19-44908957-C-G. GRCh37 (hg19) VCF-style: chr19-45412214-C-G.
Other names: c.739C>G, p.Leu247Val (NM_001302688.2); c.661C>G, p.Leu221Val (NM_001302689.2, NM_001302690.2, NM_001302691.2); short protein forms L247V, L221V.
Identifiers: ClinVar variation 4127099 (VCV004127099.1).

ClinVar aggregate classification (germline): Uncertain significance (1 of 4 stars; one submission).

Conditions:
Cardiovascular phenotype. Identifiers: MedGen CN230736.

Submission:

Ambry Genetics
Classification: Uncertain significance for Cardiovascular phenotype. Last evaluated: 2025-08-03. Review status: criteria provided, single submitter. Criteria: Ambry Variant Classification Scheme 2023. Collection method: clinical testing. Allele origin: germline.
Comment: The p.L221V variant (also known as c.661C>G), located in coding exon 3 of the APOE gene, results from a C to G substitution at nucleotide position 661. The leucine at codon 221 is replaced by valine, an amino acid with highly similar properties. This amino acid position is conserved. In addition, this alteration is predicted to be tolerated by in silico analysis. Based on the available evidence, the clinical significance of this variant remains unclear.